The following is an entry in ClinVar:

NM_001375405.1(CEP120):c.52C>T (p.Arg18Trp)

Gene: CEP120 (centrosomal protein 120; minus strand). Cytogenetic location: 5q23.2.
Variant type: single nucleotide variant.
Coding change: c.52C>T on transcript NM_001375405.1 (MANE Select); coding-DNA position 52, C replaced by T.
Protein change: p.Arg18Trp; replaces arginine 18 with tryptophan.
Molecular consequence: missense variant. On other transcripts: 5 prime UTR variant (3), non-coding transcript variant (1).
Genome position (GRCh38, 1-based): chr5:123,418,513, G>A on the plus strand (C>T on the coding strand, the complement: CEP120 is on the minus strand). VCF-style: chr5-123418513-G-A. GRCh37 (hg19) VCF-style: chr5-122754207-G-A.
Other names: c.-27C>T (NM_001166226.2); c.52C>T, p.Arg18Trp (NM_001375406.1, NM_001375407.1, NM_153223.4); c.-697C>T (NM_001375408.1); c.-639C>T (NM_001375409.1); short protein forms R18W.
Identifiers: ClinVar variation 423655 (VCV000423655.11), dbSNP rs371099291, ClinGen allele CA3387353.

ClinVar aggregate classification (germline): Uncertain significance. Review status: criteria provided, multiple submitters, no conflicts (2 of 4 stars). 2 submissions from 2 submitters: Uncertain significance (2). Last evaluated 2020-02-05.

Conditions:
Short-rib thoracic dysplasia 13 with or without polydactyly (SRTD13). Identifiers: Orphanet 474, MedGen C4225378, MONDO:0014577, OMIM 616300.

Allele frequency attached by ClinVar (database versions not stated): TOPMed 0.00001; gnomAD exomes 0.00001; ESP Exome Variant Server 0.00008; ExAC 0.00001.
gnomAD v4.1: 15 of 1,593,126 alleles (0.00094%); highest among the groups gnomAD compares: Admixed American, 0.0017%; no homozygotes.

Submissions (2):

Labcorp Genetics (formerly Invitae), Labcorp
Classification: Uncertain significance for Short-rib thoracic dysplasia 13 with or without polydactyly. Last evaluated: 2020-02-05. Review status: criteria provided, single submitter. Criteria: Invitae Variant Classification Sherloc (09022015). Collection method: clinical testing. Allele origin: germline.
Comment: In summary, the available evidence is currently insufficient to determine the role of this variant in disease. Therefore, it has been classified as a Variant of Uncertain Significance. This sequence change replaces arginine with tryptophan at codon 18 of the CEP120 protein (p.Arg18Trp). The arginine residue is highly conserved and there is a moderate physicochemical difference between arginine and tryptophan. This variant is present in population databases (rs371099291, ExAC 0.01%). ClinVar contains an entry for this variant (Variation ID: 423655). Algorithms developed to predict the effect of missense changes on protein structure and function are either unavailable or do not agree on the potential impact of this missense change (SIFT: "Deleterious"; PolyPhen-2: "Probably Damaging"; Align-GVGD: "Class C0").

GeneDx
Classification: Uncertain significance. Last evaluated: 2017-03-02. Review status: criteria provided, single submitter. Criteria: GeneDx Variant Classification (06012015). Collection method: clinical testing. Allele origin: germline. Affected: yes.
Comment: The R18W variant in the CEP120 gene has not been reported previously as a pathogenic variant, nor as a benign variant, to our knowledge. The R18W variant is not observed at a significant frequency in large population cohorts (Lek et al., 2016; 1000 Genomes Consortium et al., 2015; Exome Variant Server). The R18W variant is a non-conservative amino acid substitution, which is likely to impact secondary protein structure as these residues differ in polarity, charge, size and/or other properties. This substitution occurs at a position that is conserved across species, and in silico analysis predicts this variant is probably damaging to the protein structure/function. We interpret R18W as a variant of uncertain significance.